The following is an entry in ClinVar:

NM_002693.3(POLG):c.3701G>A (p.Arg1234Gln)

Genes: POLG (DNA polymerase gamma, catalytic subunit; minus strand), FANCI (FA complementation group I; plus strand). Cytogenetic location: 15q26.1.
Variant type: single nucleotide variant.
Coding change: c.3701G>A on transcript NM_002693.3 (MANE Select); coding-DNA position 3701, G replaced by A.
Protein change: p.Arg1234Gln; replaces arginine 1234 with glutamine.
Molecular consequence: missense variant. On other transcripts: 3 prime UTR variant (4).
Genome position (GRCh38, 1-based): chr15:89,316,770, C>T on the plus strand (G>A on the coding strand, the complement: POLG is on the minus strand). VCF-style: chr15-89316770-C-T. GRCh37 (hg19) VCF-style: chr15-89860001-C-T.
Other names: p.R1234Q:CGA>CAA; c.3701G>A, p.Arg1234Gln (NM_001126131.2); c.*311C>T (NM_001113378.2, NM_001376910.1, NM_001376911.1 and 1 more transcripts); short protein forms R1234Q.
Identifiers: ClinVar variation 206490 (VCV000206490.10), dbSNP rs750792237, ClinGen allele CA316631.

ClinVar aggregate classification (germline): Uncertain significance. Review status: criteria provided, multiple submitters, no conflicts (2 of 4 stars). 4 submissions from 4 submitters: Uncertain significance (4). Last evaluated 2024-07-30.

Conditions:
Progressive sclerosing poliodystrophy (MTDPS4A). Also called: ALPERS DIFFUSE DEGENERATION OF CEREBRAL GRAY MATTER WITH HEPATIC CIRRHOSIS; Alpers-Huttenlocher Syndrome; ALPERS PROGRESSIVE INFANTILE POLIODYSTROPHY; NEURONAL DEGENERATION OF CHILDHOOD WITH LIVER DISEASE, PROGRESSIVE; Mitochondrial DNA Depletion Syndrome 4A; Alpers-Huttenlocher Syndrome (AHS). Identifiers: Orphanet 726, MedGen C0205710, MONDO:0008758, OMIM 203700.
Fanconi anemia complementation group I (FANCI). Also called: FANCI-Related Fanconi Anemia. Identifiers: Orphanet 84, MedGen C1836861, MONDO:0012186, OMIM 609053.

Allele frequency attached by ClinVar (database versions not stated): gnomAD exomes 0.00001 and 0.00002; gnomAD 0.00005 and 0.00006; ExAC 0.00006; TOPMed 0.00007.
gnomAD v4.1: 22 of 1,613,618 alleles (0.0014%); highest among the groups gnomAD compares: African/African-American, 0.011%; no homozygotes.

Submissions (4):

Labcorp Genetics (formerly Invitae), Labcorp
Classification: Uncertain significance for Progressive sclerosing poliodystrophy. Last evaluated: 2024-07-30. Review status: criteria provided, single submitter. Criteria: Invitae Variant Classification Sherloc (09022015). Collection method: clinical testing. Allele origin: germline.
Comment: This sequence change replaces arginine, which is basic and polar, with glutamine, which is neutral and polar, at codon 1234 of the POLG protein (p.Arg1234Gln). This variant is present in population databases (rs750792237, gnomAD 0.02%). This variant has not been reported in the literature in individuals affected with POLG-related conditions. ClinVar contains an entry for this variant (Variation ID: 206490). Advanced modeling of protein sequence and biophysical properties (such as structural, functional, and spatial information, amino acid conservation, physicochemical variation, residue mobility, and thermodynamic stability) performed at Invitae indicates that this missense variant is not expected to disrupt POLG protein function with a negative predictive value of 95%. In summary, the available evidence is currently insufficient to determine the role of this variant in disease. Therefore, it has been classified as a Variant of Uncertain Significance.

Athena Diagnostics
Classification: Uncertain significance. Last evaluated: 2023-09-19. Review status: criteria provided, single submitter. Criteria: Athena Diagnostics Criteria. Collection method: clinical testing. Allele origin: unknown.
Comment: Available data are insufficient to determine the clinical significance of the variant at this time. The frequency of this variant in the general population is uninformative in assessment of its pathogenicity. Computational tools predict that this variant is not damaging.

Fulgent Genetics
Classification: Uncertain significance for Fanconi anemia complementation group I. Last evaluated: 2022-04-01. Review status: criteria provided, single submitter. Criteria: ACMG Guidelines, 2015. Collection method: clinical testing. Allele origin: unknown.

GeneDx
Classification: Uncertain significance. Last evaluated: 2021-10-07. Review status: criteria provided, single submitter. Criteria: GeneDx Variant Classification Process June 2021. Collection method: clinical testing. Allele origin: germline. Affected: yes.
Comment: In silico analysis supports that this missense variant does not alter protein structure/function; Has not been previously published as pathogenic or benign to our knowledge